The following is an entry in ClinVar:

NM_015466.4(PTPN23):c.4853G>C (p.Arg1618Pro)

Gene: PTPN23 (protein tyrosine phosphatase non-receptor type 23; plus strand). Cytogenetic location: 3p21.31.
Variant type: single nucleotide variant.
Coding change: c.4853G>C on transcript NM_015466.4 (MANE Select); coding-DNA position 4853, G replaced by C.
Protein change: p.Arg1618Pro; replaces arginine 1618 with proline.
Molecular consequence: missense variant.
Genome position (GRCh38, 1-based): chr3:47,413,127, G>C. VCF-style: chr3-47413127-G-C. GRCh37 (hg19) VCF-style: chr3-47454617-G-C.
Other names: c.4475G>C, p.Arg1492Pro (NM_001304482.2); short protein forms R1492P, R1618P.
Identifiers: ClinVar variation 1480899 (VCV001480899.8), dbSNP rs368990224, ClinGen allele CA73887191.

ClinVar aggregate classification (germline): Uncertain significance (1 of 4 stars; one submission).

gnomAD v4.1: 1 of 1,612,816 alleles (0.000062%); highest among the groups gnomAD compares: African/African-American, 0.0013%; no homozygotes.

Submission:

Labcorp Genetics (formerly Invitae), Labcorp
Classification: Uncertain significance. Last evaluated: 2023-08-14. Review status: criteria provided, single submitter. Criteria: Invitae Variant Classification Sherloc (09022015). Collection method: clinical testing. Allele origin: germline.
Comment: This variant has not been reported in the literature in individuals affected with PTPN23-related conditions. ClinVar contains an entry for this variant (Variation ID: 1480899). Algorithms developed to predict the effect of missense changes on protein structure and function output the following: SIFT: "Not Available"; PolyPhen-2: "Not Available"; Align-GVGD: "Not Available". The proline amino acid residue is found in multiple mammalian species, which suggests that this missense change does not adversely affect protein function. In summary, the available evidence is currently insufficient to determine the role of this variant in disease. Therefore, it has been classified as a Variant of Uncertain Significance. This variant is not present in population databases (gnomAD no frequency). This sequence change replaces arginine, which is basic and polar, with proline, which is neutral and non-polar, at codon 1618 of the PTPN23 protein (p.Arg1618Pro).